The following is an entry in ClinVar:

ClinVar aggregate classification (germline): Uncertain significance (1 of 4 stars; one submission).

Conditions:
Tuberous sclerosis 2 (TSC2). Identifiers: Orphanet 805, MedGen C1860707, MONDO:0013199, OMIM 613254.

Submission:

Dasa
Classification: Uncertain significance for Tuberous sclerosis 2. Last evaluated: 2026-08-08. Review status: criteria provided, single submitter. Criteria: DASA Assertion Criteria. Collection method: clinical testing. Allele origin: germline.
Comment: NM_000548.5(TSC2):c.4702T>A (p.Ser1568Thr) is a missense variant that results in the substitution of serine with threonine. This variant is absent from population databases. Computational prediction algorithms are consistent with a deleterious effect. The currently available literature and clinical evidence are not sufficient to establish a definitive association between this variant and the reported condition. Therefore, this variant is classified as a variant of uncertain significance.

NM_000548.5(TSC2):c.4702T>A (p.Ser1568Thr)

Gene: TSC2 (TSC complex subunit 2; plus strand). Cytogenetic location: 16p13.3.
Variant type: single nucleotide variant.
Coding change: c.4702T>A on transcript NM_000548.5 (MANE Select); coding-DNA position 4702, T replaced by A.
Protein change: p.Ser1568Thr; replaces serine 1568 with threonine.
Molecular consequence: missense variant. On other transcripts: non-coding transcript variant (5).
Genome position (GRCh38, 1-based): chr16:2,086,232, T>A. VCF-style: chr16-2086232-T-A. GRCh37 (hg19) VCF-style: chr16-2136233-T-A.
Other names: c.4390T>A, p.Ser1464Thr (NM_001406678.1); c.4354T>A, p.Ser1452Thr (NM_001406679.1); c.4102T>A, p.Ser1368Thr (NM_001406680.1); c.4042T>A, p.Ser1348Thr (NM_001406681.1); c.4033T>A, p.Ser1345Thr (NM_001406682.1, NM_001406683.1); c.4030T>A, p.Ser1344Thr (NM_001406684.1); c.3904T>A, p.Ser1302Thr (NM_001406685.1, NM_001406686.1); c.3901T>A, p.Ser1301Thr (NM_001406687.1, NM_001406688.1); and 26 more; short protein forms S1053T, S1054T, S1076T, S1077T, S1097T, S1301T, S1302T, S1324T.
Identifiers: ClinVar variation 5020445 (VCV005020445.1).